The following is an entry in ClinVar:

NM_000451.4(SHOX):c.508G>C (p.Ala170Pro)

Gene: SHOX (SHOX homeobox; plus strand). Cytogenetic location: Xp22.33.
Variant type: single nucleotide variant.
Coding change: c.508G>C on transcript NM_000451.4 (MANE Select); coding-DNA position 508, G replaced by C.
Protein change: p.Ala170Pro; replaces alanine 170 with proline.
Molecular consequence: missense variant.
Genome position (GRCh38, 1-based): chrX:640,842, G>C. VCF-style: chrX-640842-G-C. GRCh37 (hg19) VCF-style: chrX-601577-G-C.
Other names: c.508G>C, p.Ala170Pro (NM_006883.2); c.508G>C (NM_000451.3); short protein forms A170P.
Identifiers: ClinVar variation 29994 (VCV000029994.2), dbSNP rs397514461, ClinGen allele CA128820.
Genomic context (GRCh38, chrX:640,842, plus strand): 5'-TCACAGGGCTCTTCACATCTCTCTCTGCTTCTCCCCAAGGTTTGGTTCCAGAACCGGAGA[G>C]CCAAGTGCCGCAAACAAGAGAATCAGATGCATAAAGGTGGGTGTCGGGACTGGGGGGACC-3'
Protein context (NP_000442.1, residues 160-180): RVQVWFQNRR[Ala170Pro]KCRKQENQMH

ClinVar aggregate classification (germline): Pathogenic. Review status: criteria provided, single submitter (1 of 4 stars). 3 submissions from 2 submitters: Pathogenic (1). 2 of the submissions do not count toward it. Last evaluated 2025-07-02.

Conditions:
Leri-Weill dyschondrosteosis (LWD). Also called: Leri-Weill Dyschondrosteosis (LWD); Léri-Weill dyschondrosteosis; DYSCHONDROSTEOSIS. Identifiers: Orphanet 240, MedGen C0265309, MONDO:0007481, OMIM 127300.
Langer mesomelic dysplasia syndrome (LMD). Also called: Langer mesomelic dysplasia; DYSCHONDROSTEOSIS, HOMOZYGOUS. Identifiers: Orphanet 2632, MedGen C0432230, MONDO:0009588, OMIM 249700.

Allele frequency attached by ClinVar (database versions not stated): TOPMed below 0.00001.

Submissions (3):

Athena Diagnostics
Classification: Pathogenic. Last evaluated: 2025-07-02. Review status: criteria provided, single submitter. Criteria: Athena Diagnostics Criteria. Collection method: clinical testing. Allele origin: unknown.
Comment: This variant has not been reported in large, multi-ethnic general populations. This variant segregates with disease in multiple families with pseudoautosomal dominant Leri-Weill dyschondrosteosis and pseudoautosomal recessive Langer mesomelic dysplasia. Assessment of experimental evidence suggests this variant results in abnormal protein function. (PMID: 15931687, 15173249, 24887312) The variant is located in a region that is considered important for protein function and/or structure.

OMIM
Classification: Pathogenic for LERI-WEILL DYSCHONDROSTEOSIS. Last evaluated: 2011-12-01. Review status: no assertion criteria provided. Collection method: literature only. Allele origin: germline. Not counted in ClinVar's aggregate classification.

OMIM
Classification: Pathogenic for LANGER MESOMELIC DYSPLASIA. Last evaluated: 2011-12-01. Review status: no assertion criteria provided. Collection method: literature only. Allele origin: germline. Not counted in ClinVar's aggregate classification.

Literature cited by the submitters: PubMed 22461651 (cited by Athena Diagnostics); PubMed 21712857 (cited by Athena Diagnostics and OMIM); PubMed 15931687 (cited by Athena Diagnostics); PubMed 15173249 (cited by Athena Diagnostics); PubMed 16941489 (cited by Athena Diagnostics); PubMed 17182655 (cited by Athena Diagnostics); PubMed 39709002 (cited by Athena Diagnostics); PubMed 24887312 (cited by Athena Diagnostics); PubMed 17047016 (cited by Athena Diagnostics).